The following is an entry in ClinVar:

NM_018718.3(CEP41):c.610A>G (p.Met204Val)

Gene: CEP41 (centrosomal protein 41; minus strand). Cytogenetic location: 7q32.2.
Variant type: single nucleotide variant.
Coding change: c.610A>G on transcript NM_018718.3 (MANE Select); coding-DNA position 610, A replaced by G.
Protein change: p.Met204Val; replaces methionine 204 with valine.
Molecular consequence: missense variant. On other transcripts: non-coding transcript variant (1).
Genome position (GRCh38, 1-based): chr7:130,401,913, T>C on the plus strand (A>G on the coding strand, the complement: CEP41 is on the minus strand). VCF-style: chr7-130401913-T-C. GRCh37 (hg19) VCF-style: chr7-130041754-T-C.
Other names: c.610A>G, p.Met204Val (NM_001257158.2); c.562A>G, p.Met188Val (NM_001257159.2); short protein forms M188V, M204V.
Identifiers: ClinVar variation 982169 (VCV000982169.6), dbSNP rs782188831, ClinGen allele CA4485524.

ClinVar aggregate classification (germline): Uncertain significance. Review status: criteria provided, single submitter (1 of 4 stars). 2 submissions from 2 submitters: Uncertain significance (1). 1 of the submissions does not count toward it. Last evaluated 2022-10-13.

Conditions:
Familial Autism Spectrum Disorder.
Joubert syndrome 15 (JBTS15). Identifiers: Orphanet 475, MedGen C3280897, MONDO:0013763, OMIM 614464.

gnomAD v4.1: 6 of 1,610,560 alleles (0.00037%); highest among the groups gnomAD compares: Admixed American, 0.005%; no homozygotes.

Submissions (2):

Labcorp Genetics (formerly Invitae), Labcorp
Classification: Uncertain significance for Joubert syndrome 15. Last evaluated: 2022-10-13. Review status: criteria provided, single submitter. Criteria: Invitae Variant Classification Sherloc (09022015). Collection method: clinical testing. Allele origin: germline.
Comment: In summary, the available evidence is currently insufficient to determine the role of this variant in disease. Therefore, it has been classified as a Variant of Uncertain Significance. Advanced modeling of protein sequence and biophysical properties (such as structural, functional, and spatial information, amino acid conservation, physicochemical variation, residue mobility, and thermodynamic stability) performed at Invitae indicates that this missense variant is not expected to disrupt CEP41 protein function. ClinVar contains an entry for this variant (Variation ID: 982169). This variant has not been reported in the literature in individuals affected with CEP41-related conditions. This variant is present in population databases (rs782188831, gnomAD 0.003%). This sequence change replaces methionine, which is neutral and non-polar, with valine, which is neutral and non-polar, at codon 204 of the CEP41 protein (p.Met204Val).

University of Washington Center for Mendelian Genomics, University of Washington
Classification: Likely pathogenic for Familial Autism Spectrum Disorder. Review status: no assertion criteria provided. Collection method: research. Allele origin: inherited. Affected: yes. Not counted in ClinVar's aggregate classification.

Literature cited by the submitters: PubMed 30664616 (cited by University of Washington Center for Mendelian Genomics, University of Washington).